The following is an entry in ClinVar:

ClinVar aggregate classification (germline): Uncertain significance (1 of 4 stars; one submission).

Conditions:
Joubert syndrome 23 (JBTS23). Identifiers: Orphanet 475, MedGen C4084822, MONDO:0014664, OMIM 616490.
Short-rib thoracic dysplasia 14 with polydactyly (SRTD14). Identifiers: Orphanet 397715, MedGen C4225286, MONDO:0014688, OMIM 616546.

Allele frequency attached by ClinVar (database versions not stated): gnomAD exomes 0.00002.
gnomAD v4.1: 13 of 1,613,640 alleles (0.00081%); highest among the groups gnomAD compares: Non-Finnish European, 0.0011%; no homozygotes.

Submission:

Labcorp Genetics (formerly Invitae), Labcorp
Classification: Uncertain significance for Joubert syndrome 23; Short-rib thoracic dysplasia 14 with polydactyly. Last evaluated: 2022-01-05. Review status: criteria provided, single submitter. Criteria: Invitae Variant Classification Sherloc (09022015). Collection method: clinical testing. Allele origin: germline.
Comment: This sequence change replaces alanine, which is neutral and non-polar, with threonine, which is neutral and polar, at codon 1178 of the KIAA0586 protein (p.Ala1178Thr). This variant is not present in population databases (gnomAD no frequency). This variant has not been reported in the literature in individuals affected with KIAA0586-related conditions. Algorithms developed to predict the effect of missense changes on protein structure and function are either unavailable or do not agree on the potential impact of this missense change (SIFT: "Tolerated"; PolyPhen-2: "Probably Damaging"; Align-GVGD: "Class C0"). In summary, the available evidence is currently insufficient to determine the role of this variant in disease. Therefore, it has been classified as a Variant of Uncertain Significance.

NM_001329943.3(KIAA0586):c.3373G>A (p.Ala1125Thr)

Gene: KIAA0586 (KIAA0586; plus strand). Cytogenetic location: 14q23.1.
Variant type: single nucleotide variant.
Coding change: c.3373G>A on transcript NM_001329943.3 (MANE Select); coding-DNA position 3373, G replaced by A.
Protein change: p.Ala1125Thr; replaces alanine 1125 with threonine.
Molecular consequence: missense variant.
Genome position (GRCh38, 1-based): chr14:58,487,955, G>A. VCF-style: chr14-58487955-G-A. GRCh37 (hg19) VCF-style: chr14-58954673-G-A.
Other names: c.3532G>A, p.Ala1178Thr (NM_001244189.2); c.3328G>A, p.Ala1110Thr (NM_001244190.2); c.3118G>A, p.Ala1040Thr (NM_001244191.2, NM_001329945.2, NM_001364700.1 and 1 more transcripts); c.3241G>A, p.Ala1081Thr (NM_001244192.2); c.2953G>A, p.Ala985Thr (NM_001244193.2); c.3373G>A, p.Ala1125Thr (NM_001329944.2, NM_001329946.2, NM_001329947.2); c.3145G>A, p.Ala1049Thr (NM_014749.5); short protein forms A1081T, A1178T, A1049T, A1110T, A1125T, A985T, A1040T.
Identifiers: ClinVar variation 1355650 (VCV001355650.8), dbSNP rs2141193523, ClinGen allele CA389881784.